The following is an entry in ClinVar:

NM_000091.5(COL4A3):c.2115T>A (p.Pro705=)

Genes: COL4A3 (collagen type IV alpha 3 chain; plus strand), MFF-DT (MFF divergent transcript; minus strand). Cytogenetic location: 2q36.3.
Variant type: single nucleotide variant.
Coding change: c.2115T>A on transcript NM_000091.5 (MANE Select); coding-DNA position 2115, T replaced by A.
Protein change: p.Pro705=; no amino-acid change (proline 705 retained).
Molecular consequence: synonymous variant.
Genome position (GRCh38, 1-based): chr2:227,277,543, T>A. VCF-style: chr2-227277543-T-A. GRCh37 (hg19) VCF-style: chr2-228142259-T-A.
Identifiers: ClinVar variation 369945 (VCV000369945.11), dbSNP rs201419174, ClinGen allele CA2146854.

ClinVar aggregate classification (germline): Conflicting classifications of pathogenicity. Review status: criteria provided, conflicting classifications (1 of 4 stars). 7 submissions from 7 submitters: Uncertain significance (1); Likely benign (5). 1 of the submissions does not count toward it. Last evaluated 2026-03-01.

Conditions:
COL4A3-related disorder. Also called: COL4A3-Related Disorders; COL4A3-related condition.
Autosomal dominant Alport syndrome (ATS3A). Also called: Alport syndrome dominant type; Renal failure and sensorineural hearing loss; ALPORT SYNDROME 3A, AUTOSOMAL DOMINANT. Identifiers: Orphanet 63, Orphanet 88918, MedGen C5882663, MONDO:0007086, OMIM 104200.
Benign familial hematuria. Also called: thin basement membrane disease. Identifiers: MedGen C0241908, MONDO:0957317.
Autosomal recessive Alport syndrome (ATS2). Also called: Alport syndrome type 2; COL4A3-Related Nephropathy; COL4A4 Alport Syndrome and Thin Basement Membrane Nephropathy; ALPORT SYNDROME 2, AUTOSOMAL RECESSIVE. Identifiers: Orphanet 63, Orphanet 88919, MedGen C4746745, MONDO:0008762, OMIM 203780.

Allele frequency attached by ClinVar (database versions not stated): ExAC 0.00002; gnomAD exomes 0.00003 and 0.00004; gnomAD 0.00005 and 0.00006; TOPMed 0.00005; 1000 Genomes Project 30x 0.00031.
gnomAD v4.1: 62 of 1,607,042 alleles (0.0039%); highest among the groups gnomAD compares: Middle Eastern, 0.05%; no homozygotes.

Submissions (7):

CeGaT Center for Human Genetics Tuebingen
Classification: Likely benign. Last evaluated: 2026-03-01. Review status: criteria provided, single submitter. Criteria: CeGaT Center For Human Genetics Tuebingen Variant Classification Criteria Version 2. Collection method: clinical testing. Allele origin: germline. Affected: yes. Observed: 1 variant allele.
Comment: COL4A3: BP4, BP7

PreventionGenetics, part of Exact Sciences
Classification: Likely benign for COL4A3-related condition. Last evaluated: 2025-11-11. Review status: criteria provided, single submitter. Criteria: ACMG Guidelines, 2015. Collection method: clinical testing. Allele origin: germline.
Comment: This variant is classified as likely benign based on ACMG/AMP sequence variant interpretation guidelines (Richards et al. 2015 PMID: 25741868, with internal and published modifications).

Labcorp Genetics (formerly Invitae), Labcorp
Classification: Likely benign. Last evaluated: 2025-09-11. Review status: criteria provided, single submitter. Criteria: Invitae Variant Classification Sherloc (09022015). Collection method: clinical testing. Allele origin: germline.

Women's Health and Genetics/Laboratory Corporation of America, LabCorp
Classification: Likely benign. Last evaluated: 2023-12-26. Review status: criteria provided, single submitter. Criteria: LabCorp Variant Classification Summary - May 2015. Collection method: clinical testing. Allele origin: germline.

Blueprint Genetics
Classification: Likely benign. Last evaluated: 2023-12-11. Review status: criteria provided, single submitter. Criteria: ACMG Guidelines, 2015. Collection method: clinical testing. Allele origin: germline.

Fulgent Genetics
Classification: Uncertain significance for Autosomal dominant Alport syndrome; Hematuria, benign familial, 1; Autosomal recessive Alport syndrome. Last evaluated: 2021-11-12. Review status: criteria provided, single submitter. Criteria: ACMG Guidelines, 2015. Collection method: clinical testing. Allele origin: unknown.

Bioscientia Institut fuer Medizinische Diagnostik GmbH, Sonic Healthcare
Classification: Uncertain significance for Autosomal dominant Alport syndrome. Review status: no assertion criteria provided. Collection method: clinical testing. Allele origin: germline. Affected: yes. Not counted in ClinVar's aggregate classification.